The following is an entry in ClinVar:

ClinVar aggregate classification (germline): Uncertain significance (1 of 4 stars; one submission).

Submission:

Labcorp Genetics (formerly Invitae), Labcorp
Classification: Uncertain significance. Last evaluated: 2024-06-06. Review status: criteria provided, single submitter. Criteria: Invitae Variant Classification Sherloc (09022015). Collection method: clinical testing. Allele origin: germline.
Comment: This variant, c.1006_1014del, results in the deletion of 3 amino acid(s) of the MSH3 protein (p.Lys336_Thr338del), but otherwise preserves the integrity of the reading frame. This variant is not present in population databases (gnomAD no frequency). This variant has not been reported in the literature in individuals affected with MSH3-related conditions. Experimental studies and prediction algorithms are not available or were not evaluated, and the functional significance of this variant is currently unknown. In summary, the available evidence is currently insufficient to determine the role of this variant in disease. Therefore, it has been classified as a Variant of Uncertain Significance.

NM_002439.5(MSH3):c.1006_1014del (p.Lys336_Thr338del)

Genes: MSH3 (mutS homolog 3; plus strand), LOC126807437 (MED14-independent group 3 enhancer GRCh37_chr5:79968379-79969578; plus strand). Cytogenetic location: 5q14.1.
Variant type: Deletion.
Coding change: c.1006_1014del on transcript NM_002439.5 (MANE Select); coding-DNA positions 1006 to 1014, 9 bases deleted (AAATCTACA; older notation c.1006_1014delAAATCTACA).
Protein change: p.Lys336_Thr338del.
Genome position (GRCh38, 1-based): chr5:80,672,837-80,672,845, AAATCTACA deleted; deleting any 9 consecutive bases within chr5:80,672,833-80,672,845 gives the same sequence; the c. name uses the placement nearest the transcript's 3' end. VCF-style (leftmost placement, unchanged base first): chr5-80672832-ATACAAAATC-A. GRCh37 (hg19) VCF-style: chr5-79968651-ATACAAAATC-A.
Identifiers: ClinVar variation 3654336 (VCV003654336.2).